The following is an entry in ClinVar:

NM_002769.5(PRSS1):c.217C>A (p.Leu73Met)

Genes: TRB (T cell receptor beta locus; plus strand), PRSS1 (serine protease 1; plus strand). Cytogenetic location: 7q34.
Variant type: single nucleotide variant.
Coding change: c.217C>A on transcript NM_002769.5 (MANE Select); coding-DNA position 217, C replaced by A.
Protein change: p.Leu73Met; replaces leucine 73 with methionine.
Molecular consequence: missense variant. On other transcripts: non-coding transcript variant (2).
Genome position (GRCh38, 1-based): chr7:142,751,790, C>A. VCF-style: chr7-142751790-C-A. GRCh37 (hg19) VCF-style: chr7-142459641-C-A.
Other names: short protein forms L73M.
Identifiers: ClinVar variation 1787235 (VCV001787235.4), dbSNP rs1248279792, ClinGen allele CA369608387.
Genomic context (GRCh38, chr7:142,751,790, plus strand): 5'-TGGCTGTGGGAGAAGGTCTTCACCATGCCTGCCCTGCCCATCAGCCGCATCCAGGTGAGA[C>A]TGGGAGAGCACAACATCGAAGTCCTGGAGGGGAATGAGCAGTTCATCAATGCAGCCAAGA-3'
Protein context (NP_002760.1, residues 63-83): HCYKSRIQVR[Leu73Met]GEHNIEVLEG

ClinVar aggregate classification (germline): Uncertain significance. Review status: criteria provided, multiple submitters, no conflicts (2 of 4 stars). 2 submissions from 2 submitters: Uncertain significance (2). Last evaluated 2024-04-15.

Conditions:
Hereditary pancreatitis (PCTT). Also called: Hereditary chronic pancreatitis; PRSS1-Related Hereditary Pancreatitis. Identifiers: Orphanet 676, MedGen C0238339, MONDO:0008185, OMIM 167800.

Allele frequency attached by ClinVar (database versions not stated): TOPMed below 0.00001.

Submissions (2):

Labcorp Genetics (formerly Invitae), Labcorp
Classification: Uncertain significance for Hereditary pancreatitis. Last evaluated: 2024-04-15. Review status: criteria provided, single submitter. Criteria: Invitae Variant Classification Sherloc (09022015). Collection method: clinical testing. Allele origin: germline.
Comment: This sequence change replaces leucine, which is neutral and non-polar, with methionine, which is neutral and non-polar, at codon 73 of the PRSS1 protein (p.Leu73Met). This variant is not present in population databases (gnomAD no frequency). This variant has not been reported in the literature in individuals affected with PRSS1-related conditions. ClinVar contains an entry for this variant (Variation ID: 1787235). Advanced modeling of protein sequence and biophysical properties (such as structural, functional, and spatial information, amino acid conservation, physicochemical variation, residue mobility, and thermodynamic stability) performed at Invitae indicates that this missense variant is not expected to disrupt PRSS1 protein function with a negative predictive value of 80%. In summary, the available evidence is currently insufficient to determine the role of this variant in disease. Therefore, it has been classified as a Variant of Uncertain Significance.

Ambry Genetics
Classification: Uncertain significance for Hereditary pancreatitis. Last evaluated: 2023-11-15. Review status: criteria provided, single submitter. Criteria: Ambry Variant Classification Scheme 2023. Collection method: clinical testing. Allele origin: germline.
Comment: The p.L73M variant (also known as c.217C>A), located in coding exon 3 of the PRSS1 gene, results from a C to A substitution at nucleotide position 217. The leucine at codon 73 is replaced by methionine, an amino acid with highly similar properties. This amino acid position is conserved. In addition, the in silico prediction for this alteration is inconclusive. Since supporting evidence is limited at this time, the clinical significance of this alteration remains unclear.